The following is an entry in ClinVar:

ClinVar aggregate classification (germline): Uncertain significance (1 of 4 stars; one submission).

Conditions:
Hereditary cancer-predisposing syndrome. Also called: Neoplastic Syndromes, Hereditary; Tumor predisposition; Hereditary Cancer Syndrome; Hereditary neoplastic syndrome. Identifiers: Orphanet 140162, MedGen C0027672, MeSH D009386, MONDO:0015356.
Cardiovascular phenotype. Identifiers: MedGen CN230736.

Submission:

Ambry Genetics
Classification: Uncertain significance for Cardiovascular phenotype; Hereditary cancer-predisposing syndrome. Last evaluated: 2022-07-27. Review status: criteria provided, single submitter. Criteria: Ambry Variant Classification Scheme 2023. Collection method: clinical testing. Allele origin: germline.
Comment: The p.L389F variant (also known as c.1165C>T), located in coding exon 11 of the LZTR1 gene, results from a C to T substitution at nucleotide position 1165. The leucine at codon 389 is replaced by phenylalanine, an amino acid with highly similar properties. This variant has been reported in the literature in at least one patient with a clinical diagnoses of Noonan syndrome (Ritter A et al. Genet Med, 2020 02;22:423-426; Burstein DS et al. Pediatr Res, 2021 05;89:1470-1476; Kauffman H et al. Pediatr Res, 2021 08;90:444-451). This amino acid position is highly conserved in available vertebrate species. In addition, this alteration is predicted to be tolerated by in silico analysis. Since supporting evidence is limited at this time, the clinical significance of this alteration remains unclear.

NM_006767.4(LZTR1):c.1165C>T (p.Leu389Phe)

Gene: LZTR1 (leucine zipper like post translational regulator 1; plus strand). Cytogenetic location: 22q11.21.
Variant type: single nucleotide variant.
Coding change: c.1165C>T on transcript NM_006767.4 (MANE Select); coding-DNA position 1165, C replaced by T.
Protein change: p.Leu389Phe; replaces leucine 389 with phenylalanine.
Molecular consequence: missense variant.
Genome position (GRCh38, 1-based): chr22:20,992,809, C>T. VCF-style: chr22-20992809-C-T. GRCh37 (hg19) VCF-style: chr22-21347098-C-T.
Other names: short protein forms L389F.
Identifiers: ClinVar variation 1738021 (VCV001738021.2), dbSNP rs2518618754, ClinGen allele CA410773663.